The following is an entry in ClinVar:

NM_024642.5(GALNT12):c.812C>A (p.Ser271Tyr)

Gene: GALNT12 (polypeptide N-acetylgalactosaminyltransferase 12; plus strand). Cytogenetic location: 9q22.33.
Variant type: single nucleotide variant.
Coding change: c.812C>A on transcript NM_024642.5 (MANE Select); coding-DNA position 812, C replaced by A.
Protein change: p.Ser271Tyr; replaces serine 271 with tyrosine.
Molecular consequence: missense variant.
Genome position (GRCh38, 1-based): chr9:98,831,852, C>A. VCF-style: chr9-98831852-C-A. GRCh37 (hg19) VCF-style: chr9-101594134-C-A.
Other names: short protein forms S271Y.
Identifiers: ClinVar variation 4670636 (VCV004670636.1).
Genomic context (GRCh38, chr9:98,831,852, plus strand): 5'-CAGTGGTGTGCCCGGTGATTGATGTGATCGACTGGAACACCTTCGAATACCTGGGGAACT[C>A]CGGGGAGCCCCAGATCGGCGGTTTCGACTGGAGGCTGGTGTTCACGTGGCACACAGTTCC-3'
Protein context (NP_078918.3, residues 261-281): DWNTFEYLGN[Ser271Tyr]GEPQIGGFDW

ClinVar aggregate classification (germline): Uncertain significance (1 of 4 stars; one submission).

Submission:

Ambry Genetics
Classification: Uncertain significance. Last evaluated: 2025-12-08. Review status: criteria provided, single submitter. Criteria: Ambry Variant Classification Scheme 2023. Collection method: clinical testing. Allele origin: germline.
Comment: The p.S271Y variant (also known as c.812C>A), located in coding exon 4 of the GALNT12 gene, results from a C to A substitution at nucleotide position 812. The serine at codon 271 is replaced by tyrosine, an amino acid with dissimilar properties. This amino acid position is conserved. In addition, this alteration is predicted to be tolerated by in silico analysis. Based on the available evidence, the clinical significance of this variant remains unclear.